The following is an entry in ClinVar:

ClinVar aggregate classification (germline): Uncertain significance (1 of 4 stars; one submission).

Conditions:
Xanthinuria type II. Also called: Xanthine dehydrogenase and aldehyde oxidase combined deficiency of; XDH and AOX dual deficiency. Identifiers: Orphanet 3467, Orphanet 93602, MedGen C1863688, MONDO:0011346, OMIM 603592.

Submission:

Labcorp Genetics (formerly Invitae), Labcorp
Classification: Uncertain significance for Xanthinuria type II. Last evaluated: 2022-06-06. Review status: criteria provided, single submitter. Criteria: Invitae Variant Classification Sherloc (09022015). Collection method: clinical testing. Allele origin: germline.
Comment: Algorithms developed to predict the effect of missense changes on protein structure and function (SIFT, PolyPhen-2, Align-GVGD) all suggest that this variant is likely to be tolerated. This sequence change replaces proline, which is neutral and non-polar, with glutamine, which is neutral and polar, at codon 511 of the MOCOS protein (p.Pro511Gln). This variant is not present in population databases (gnomAD no frequency). This variant has not been reported in the literature in individuals affected with MOCOS-related conditions. In summary, the available evidence is currently insufficient to determine the role of this variant in disease. Therefore, it has been classified as a Variant of Uncertain Significance.

NM_017947.4(MOCOS):c.1532C>A (p.Pro511Gln)

Gene: MOCOS (molybdenum cofactor sulfurase; plus strand). Cytogenetic location: 18q12.2.
Variant type: single nucleotide variant.
Coding change: c.1532C>A on transcript NM_017947.4 (MANE Select); coding-DNA position 1532, C replaced by A.
Protein change: p.Pro511Gln; replaces proline 511 with glutamine.
Molecular consequence: missense variant.
Genome position (GRCh38, 1-based): chr18:36,215,712, C>A. VCF-style: chr18-36215712-C-A. GRCh37 (hg19) VCF-style: chr18-33795675-C-A.
Other names: short protein forms P511Q.
Identifiers: ClinVar variation 1960610 (VCV001960610.5), dbSNP rs2510966185, ClinGen allele CA402221650.